The following is an entry in ClinVar:

NM_000321.3(RB1):c.929G>A (p.Gly310Glu)

Gene: RB1 (RB transcriptional corepressor 1; plus strand). Cytogenetic location: 13q14.2.
Variant type: single nucleotide variant.
Coding change: c.929G>A on transcript NM_000321.3 (MANE Select); coding-DNA position 929, G replaced by A.
Protein change: p.Gly310Glu; replaces glycine 310 with glutamic acid.
Molecular consequence: missense variant.
Genome position (GRCh38, 1-based): chr13:48,364,961, G>A. VCF-style: chr13-48364961-G-A. GRCh37 (hg19) VCF-style: chr13-48939097-G-A.
Other names: short protein forms G310E.
Identifiers: ClinVar variation 237678 (VCV000237678.65), dbSNP rs200844292, ClinGen allele CA039832.
Genomic context (GRCh38, chr13:48,364,961, plus strand): 5'-ATGTTTATTTCAAAAATTTTATACCTTTTATGAATTCTCTTGGACTTGTAACATCTAATG[G>A]ACTTCCAGAGGTAATCTGAAAGGAAATTTAATAAAATATTAATGTTTTGAGACTGTGGAG-3'
Protein context (NP_000312.2, residues 300-320): MNSLGLVTSN[Gly310Glu]LPEVENLSKR

ClinVar aggregate classification (germline): Conflicting classifications of pathogenicity. Review status: criteria provided, conflicting classifications (1 of 4 stars). 16 submissions from 16 submitters: Uncertain significance (1); Benign (4); Likely benign (9). 2 of the submissions do not count toward it. Last evaluated 2026-08-06.

Conditions:
Hereditary cancer-predisposing syndrome. Also called: Hereditary Cancer Syndrome; Tumor predisposition; Hereditary neoplastic syndrome; Neoplastic Syndromes, Hereditary. Identifiers: Orphanet 140162, MedGen C0027672, MeSH D009386, MONDO:0015356.
Retinoblastoma (RB1). Also called: RETINOBLASTOMA, SOMATIC. Identifiers: Orphanet 790, MedGen C0035335, MeSH D012175, MONDO:0008380, OMIM 180200, HP:0009919. Disease mechanism: loss of function. Inheritance: Both sporadic and heritable forms are tested..

Allele frequency attached by ClinVar (database versions not stated): gnomAD 0.00029 and 0.00028; TOPMed 0.00036; ExAC 0.00060; gnomAD exomes 0.00037 and 0.00039; ESP Exome Variant Server 0.00016.
gnomAD v4.1: 591 of 1,570,788 alleles (0.038%); highest among the groups gnomAD compares: Admixed American, 0.11%; no homozygotes.

Submissions (16):

Myriad Genetics, Inc.
Classification: Benign for Retinoblastoma. Last evaluated: 2026-08-06. Review status: criteria provided, single submitter. Criteria: Myriad Autosomal Dominant, Autosomal Recessive and X-Linked Classification Criteria (2023). Collection method: clinical testing. Allele origin: unknown.
Comment: This variant is considered benign. This variant has been observed at a population frequency that is significantly greater than expected given the associated disease prevalence and penetrance. Homozygosity has been confirmed in one or more individuals. As homozygosity for pathogenic variants in this gene is generally assumed to result in embryonic lethality, this variant is unlikely to be pathogenic.

Labcorp Genetics (formerly Invitae), Labcorp
Classification: Benign for Retinoblastoma. Last evaluated: 2026-01-31. Review status: criteria provided, single submitter. Criteria: Invitae Variant Classification Sherloc (09022015). Collection method: clinical testing. Allele origin: germline.

CeGaT Center for Human Genetics Tuebingen
Classification: Benign. Last evaluated: 2025-11-01. Review status: criteria provided, single submitter. Criteria: CeGaT Center For Human Genetics Tuebingen Variant Classification Criteria Version 2. Collection method: clinical testing. Allele origin: germline. Affected: yes. Observed: 12 variant alleles.
Comment: RB1: BS1, BS2

Blueprint Genetics
Classification: Likely benign. Last evaluated: 2024-10-23. Review status: criteria provided, single submitter. Criteria: ACMG Guidelines, 2015. Collection method: clinical testing. Allele origin: germline.

Genetic Diagnostic Laboratory, University of Pennsylvania School of Medicine
Classification: Likely benign for Retinoblastoma. Last evaluated: 2024-05-20. Review status: criteria provided, single submitter. Criteria: ACMG Guidelines, 2015. Collection method: clinical testing. Allele origin: germline. Affected: yes. Observed: 1 variant allele.
Comment: Case and Pedigree Information: BILATERAL CASES:0, UNILATERAL CASES:1, TOTAL CASES:1, PEDIGREES:1. ACMG Codes Applied:BS1, BS2, BP4

Women's Health and Genetics/Laboratory Corporation of America, LabCorp
Classification: Likely benign. Last evaluated: 2023-04-18. Review status: criteria provided, single submitter. Criteria: LabCorp Variant Classification Summary - May 2015. Collection method: clinical testing. Allele origin: germline.
Comment: Variant summary: RB1 c.929G>A (p.Gly310Glu) results in a non-conservative amino acid change in the encoded protein sequence. Four of five in-silico tools predict a damaging effect of the variant on protein function. The variant allele was found at a frequency of 0.00037 in 196856 control chromosomes. The observed variant frequency is approximately 8.8 fold of the estimated maximal expected allele frequency for a pathogenic variant in RB1 causing Retinoblastoma phenotype (4.2e-05), strongly suggesting that the variant is benign. Although reported in the literature, to our knowledge, no penetrant association of c.929G>A in individuals affected with Retinoblastoma and no conclusive experimental evidence demonstrating its impact on protein function have been reported. Ten clinical diagnostic laboratories have submitted clinical-significance assessments for this variant to ClinVar after 2014 with a majority consensus as benign/likely benign (n=8) (VUS, n=2). Based on the evidence outlined above, the variant was classified as likely benign.

Color Diagnostics, LLC DBA Color Health
Classification: Benign for Retinoblastoma. Last evaluated: 2022-04-27. Review status: criteria provided, single submitter. Criteria: ACMG Guidelines, 2015. Collection method: clinical testing. Allele origin: germline.

Sema4
Classification: Likely benign for Hereditary cancer-predisposing syndrome. Last evaluated: 2021-09-16. Review status: criteria provided, single submitter. Criteria: Sema4 Curation Guidelines. Collection method: curation. Allele origin: germline.

Laboratory for Molecular Medicine, Mass General Brigham Personalized Medicine
Classification: Likely benign. Last evaluated: 2020-08-10. Review status: criteria provided, single submitter. Criteria: ACMG Guidelines, 2015. Collection method: clinical testing. Allele origin: germline.
Comment: The p.Gly310Glu variant in RB1 is classified as likely benign because it has been identified in 0.13% (8/6190) of "Other" and 0.099% (32/32270) of Latino chromosomes by gnomAD. ACMG/AMP Criteria applied: BS1.

GeneDx
Classification: Likely benign. Last evaluated: 2019-03-06. Review status: criteria provided, single submitter. Criteria: GeneDx Variant Classification Process June 2021. Collection method: clinical testing. Allele origin: germline. Affected: yes.
Comment: This variant is associated with the following publications: (PMID: 25525159, 15884040, 22180099)

Ambry Genetics
Classification: Likely benign for Hereditary cancer-predisposing syndrome. Last evaluated: 2018-11-01. Review status: criteria provided, single submitter. Criteria: Ambry Variant Classification Scheme 2023. Collection method: clinical testing. Allele origin: germline.

Mendelics
Classification: Likely benign for Retinoblastoma. Last evaluated: 2018-07-02. Review status: criteria provided, single submitter. Criteria: Mendelics Assertion Criteria 2017. Collection method: clinical testing. Allele origin: unknown.

Eurofins Ntd Llc (ga)
Classification: Uncertain significance. Last evaluated: 2017-11-28. Review status: criteria provided, single submitter. Criteria: EGL Classification Definitions 2015. Collection method: clinical testing. Allele origin: germline. Observed: 1 variant allele, 1 heterozygote.

Illumina Laboratory Services, Illumina
Classification: Likely benign for Retinoblastoma. Last evaluated: 2017-04-27. Review status: criteria provided, single submitter. Criteria: ICSL Variant Classification Criteria 13 December 2019. Collection method: clinical testing. Allele origin: germline.
Comment: This variant was observed as part of a predisposition screen in an ostensibly healthy population. A literature search was performed for the gene, cDNA change, and amino acid change (where applicable). Publications were found based on this search. The evidence from the literature, in combination with allele frequency data from public databases where available, was sufficient to determine this variant is unlikely to cause disease. Therefore, this variant is classified as likely benign.

Genetic Services Laboratory, University of Chicago
Classification: Likely benign. Last evaluated: 2022-11-25. Review status: no assertion criteria provided. Collection method: clinical testing. Allele origin: germline. Affected: no. Not counted in ClinVar's aggregate classification.

Unidad de Genómica Garrahan, Hospital de Pediatría Garrahan
Classification: Uncertain significance for Retinoblastoma. Last evaluated: 2020-08-22. Review status: no assertion criteria provided. Collection method: clinical testing. Allele origin: maternal. Affected: yes. Not counted in ClinVar's aggregate classification.

Literature cited by the submitters: PubMed 15884040 (cited by Ambry Genetics and Illumina Laboratory Services, Illumina); PubMed 25525159 (cited by Ambry Genetics); PubMed 17996702 (cited by Illumina Laboratory Services, Illumina); PubMed 19491728 (cited by Illumina Laboratory Services, Illumina); PubMed 22180099 (cited by Illumina Laboratory Services, Illumina).